The following is an entry in ClinVar:

NM_001290321.3(DMXL1):c.6948A>G (p.Thr2316=)

Gene: DMXL1 (Dmx like 1; plus strand). Cytogenetic location: 5q23.1.
Variant type: single nucleotide variant.
Coding change: c.6948A>G on transcript NM_001290321.3 (MANE Select); coding-DNA position 6948, A replaced by G.
Protein change: p.Thr2316=; no amino-acid change (threonine 2316 retained).
Molecular consequence: synonymous variant. On other transcripts: non-coding transcript variant (3).
Genome position (GRCh38, 1-based): chr5:119,178,057, A>G. VCF-style: chr5-119178057-A-G. GRCh37 (hg19) VCF-style: chr5-118513752-A-G.
Other names: c.6948A>G, p.Thr2316= (NM_001349239.2, NM_001349240.2, NM_001387933.1 and 1 more transcripts); c.6756A>G, p.Thr2252= (NM_001387934.1); c.6243A>G, p.Thr2081= (NM_001387937.1); c.5961A>G, p.Thr1987= (NM_001387938.1).
Identifiers: ClinVar variation 3056344 (VCV003056344.2), dbSNP rs201157578, ClinGen allele CA3380714.

ClinVar aggregate classification (germline): Likely benign (0 of 4 stars; one submission).

Conditions:
DMXL1-related disorder. Also called: DMXL1-related condition.

Allele frequency attached by ClinVar (database versions not stated): 1000 Genomes Project 30x 0.00016; 1000 Genomes Project 0.00020; TOPMed 0.00020; gnomAD 0.00022; ESP Exome Variant Server 0.00023; ExAC 0.00030; gnomAD exomes 0.00038.
gnomAD v4.1: 573 of 1,613,346 alleles (0.036%); highest among the groups gnomAD compares: Non-Finnish European, 0.047%; no homozygotes.

Submission:

PreventionGenetics, part of Exact Sciences
Classification: Likely benign for DMXL1-related condition. Last evaluated: 2019-04-29. Review status: no assertion criteria provided. Collection method: clinical testing. Allele origin: germline.
Comment: This variant is classified as likely benign based on ACMG/AMP sequence variant interpretation guidelines (Richards et al. 2015 PMID: 25741868, with internal and published modifications).